The following is an entry in ClinVar:

NM_030665.4(RAI1):c.4908_4910del (p.Ser1639del)

Gene: RAI1 (retinoic acid induced 1; plus strand). Cytogenetic location: 17p11.2.
Variant type: Deletion.
Coding change: c.4908_4910del on transcript NM_030665.4 (MANE Select); coding-DNA positions 4908 to 4910, 3 bases deleted (CTC; older notation c.4908_4910delCTC).
Protein change: p.Ser1639del; deletes serine 1639.
Molecular consequence: inframe deletion.
Genome position (GRCh38, 1-based): chr17:17,797,856-17,797,858, CTC deleted; deleting any 3 consecutive bases within chr17:17,797,854-17,797,858 gives the same sequence; the c. name uses the placement nearest the transcript's 3' end. VCF-style (leftmost placement, unchanged base first): chr17-17797853-ATCC-A. GRCh37 (hg19) VCF-style: chr17-17701167-ATCC-A.
Other names: short protein forms S1639del.
Identifiers: ClinVar variation 2876728 (VCV002876728.3), dbSNP rs2543623123, ClinGen allele CA2576187129.

ClinVar aggregate classification (germline): Uncertain significance (1 of 4 stars; one submission).

Submission:

Labcorp Genetics (formerly Invitae), Labcorp
Classification: Uncertain significance. Last evaluated: 2025-12-16. Review status: criteria provided, single submitter. Criteria: Invitae Variant Classification Sherloc (09022015). Collection method: clinical testing. Allele origin: germline.
Comment: This variant, c.4908_4910del, results in the deletion of 1 amino acid(s) of the RAI1 protein (p.Ser1639del), but otherwise preserves the integrity of the reading frame. This variant is not present in population databases (gnomAD no frequency). This variant has not been reported in the literature in individuals affected with RAI1-related conditions. ClinVar contains an entry for this variant (Variation ID: 2876728). Experimental studies and prediction algorithms are not available or were not evaluated, and the functional significance of this variant is currently unknown. In summary, the available evidence is currently insufficient to determine the role of this variant in disease. Therefore, it has been classified as a Variant of Uncertain Significance.